The following is an entry in ClinVar:

NM_004646.4(NPHS1):c.658T>G (p.Ser220Ala)

Gene: NPHS1 (NPHS1 adhesion molecule, nephrin; minus strand). Cytogenetic location: 19q13.12.
Variant type: single nucleotide variant.
Coding change: c.658T>G on transcript NM_004646.4 (MANE Select); coding-DNA position 658, T replaced by G.
Protein change: p.Ser220Ala; replaces serine 220 with alanine.
Molecular consequence: missense variant.
Genome position (GRCh38, 1-based): chr19:35,849,604, A>C on the plus strand (T>G on the coding strand, the complement: NPHS1 is on the minus strand). VCF-style: chr19-35849604-A-C. GRCh37 (hg19) VCF-style: chr19-36340506-A-C.
Other names: short protein forms S220A.
Identifiers: ClinVar variation 290122 (VCV000290122.25), dbSNP rs115333628, ClinGen allele CA9390706.

ClinVar aggregate classification (germline): Conflicting classifications of pathogenicity. Review status: criteria provided, conflicting classifications (1 of 4 stars). 7 submissions from 7 submitters: Uncertain significance (3); Likely benign (1). 3 of the submissions do not count toward it. Last evaluated 2026-01-28.

Conditions:
NPHS1-related disorder. Also called: NPHS1-related condition.
Finnish congenital nephrotic syndrome (NPHS1). Also called: NEPHROTIC SYNDROME, TYPE 1. Identifiers: Orphanet 839, MedGen C0403399, MONDO:0009732, OMIM 256300.
Congenital nephrotic syndrome. Also called: Familial nephrotic syndrome. Identifiers: MedGen C3501848, MeSH C535761, MONDO:0002350, HP:0008677.

Allele frequency attached by ClinVar (database versions not stated): 1000 Genomes Project 30x 0.00016; 1000 Genomes Project 0.00020; ExAC 0.00107; gnomAD exomes 0.00109; gnomAD 0.00112 and 0.00116; TOPMed 0.00120; ESP Exome Variant Server 0.00161.
gnomAD v4.1: 2,514 of 1,614,110 alleles (0.16%); highest among the groups gnomAD compares: Non-Finnish European, 0.19%; 2 homozygotes.

Submissions (7):

Labcorp Genetics (formerly Invitae), Labcorp
Classification: Likely benign. Last evaluated: 2026-01-28. Review status: criteria provided, single submitter. Criteria: Invitae Variant Classification Sherloc (09022015). Collection method: clinical testing. Allele origin: germline.

PreventionGenetics, part of Exact Sciences
Classification: Uncertain significance for NPHS1-related condition. Last evaluated: 2024-11-28. Review status: criteria provided, single submitter. Criteria: ACMG Guidelines, 2015. Collection method: clinical testing. Allele origin: germline.
Comment: The NPHS1 c.658T>G variant is predicted to result in the amino acid substitution p.Ser220Ala. This variant was reported with unknown significance in one patient with congenital nephrotic syndrome (Gigante et al. 2002. PubMed ID: 12495287). This variant is reported in 0.31% of alleles in individuals of Ashkenazi Jewish descent in gnomAD. Although we suspect that this variant may be benign due to the relatively high allele frequency in the general population, at this time, the clinical significance of this variant is uncertain due to the absence of conclusive functional and genetic evidence.

Illumina Laboratory Services, Illumina
Classification: Uncertain significance for Congenital nephrotic syndrome. Last evaluated: 2017-04-27. Review status: criteria provided, single submitter. Criteria: ICSL Variant Classification Criteria 13 December 2019. Collection method: clinical testing. Allele origin: germline.

Eurofins Ntd Llc (ga)
Classification: Uncertain significance. Last evaluated: 2016-09-06. Review status: criteria provided, single submitter. Criteria: EGL Classification Definitions 2015. Collection method: clinical testing. Allele origin: germline. Observed: 2 variant alleles, 2 heterozygotes.

Natera, Inc.
Classification: Uncertain significance for Finnish congenital nephrotic syndrome. Last evaluated: 2020-01-17. Review status: no assertion criteria provided. Collection method: clinical testing. Allele origin: germline. Not counted in ClinVar's aggregate classification.

Genome Diagnostics Laboratory, University Medical Center Utrecht
Classification: Uncertain significance. Review status: no assertion criteria provided. Collection method: clinical testing. Allele origin: germline. Affected: yes. Study: VKGL Data-share Consensus. Not counted in ClinVar's aggregate classification.

Joint Genome Diagnostic Labs from Nijmegen and Maastricht, Radboudumc and MUMC+
Classification: Uncertain significance. Review status: no assertion criteria provided. Collection method: clinical testing. Allele origin: germline. Affected: yes. Study: VKGL Data-share Consensus. Not counted in ClinVar's aggregate classification.